The following is an entry in ClinVar:

ClinVar aggregate classification (germline): Benign. Review status: criteria provided, multiple submitters, no conflicts (2 of 4 stars). 2 submissions from 2 submitters: Benign (2). Last evaluated 2018-01-13.

Conditions:
Erythrocyte AMP deaminase deficiency. Identifiers: Orphanet 45, MedGen C2752073, OMIM 612874, MONDO:0020734.

Allele frequency attached by ClinVar (database versions not stated): gnomAD 0.94462 and 0.94087; 1000 Genomes Project 0.94728; gnomAD exomes 0.97479; TOPMed 0.94008.

Submissions (2):

Illumina Laboratory Services, Illumina
Classification: Benign for Erythrocyte AMP deaminase deficiency. Last evaluated: 2018-01-13. Review status: criteria provided, single submitter. Criteria: ICSL Variant Classification Criteria 13 December 2019. Collection method: clinical testing. Allele origin: germline.
Comment: This variant was observed in the ICSL laboratory as part of a predisposition screen in an ostensibly healthy population. It had not been previously curated by ICSL or reported in the Human Gene Mutation Database (HGMD: prior to June 1st, 2018), and was therefore a candidate for classification through an automated scoring system. Utilizing variant allele frequency, disease prevalence and penetrance estimates, and inheritance mode, an automated score was calculated to assess if this variant is too frequent to cause the disease. Based on the score and internal cut-off values, a variant classified as benign is not then subjected to further curation. The score for this variant resulted in a classification of benign for this disease.

Breakthrough Genomics
Classification: Benign. Review status: criteria provided, single submitter. Criteria: ACMG Guidelines, 2015. Collection method: not provided. Allele origin: germline. Inheritance: Autosomal recessive inheritance. Affected: yes.

NM_001025389.2(AMPD3):c.*1052A>G

Gene: AMPD3 (adenosine monophosphate deaminase 3; plus strand). Cytogenetic location: 11p15.4.
Variant type: single nucleotide variant.
Coding change: c.*1052A>G on transcript NM_001025389.2 (MANE Select); 1052 bases downstream of the stop codon, A replaced by G.
Molecular consequence: 3 prime UTR variant.
Genome position (GRCh38, 1-based): chr11:10,506,936, A>G. VCF-style: chr11-10506936-A-G. GRCh37 (hg19) VCF-style: chr11-10528483-A-G.
Other names: c.*1052A>G (NM_000480.3, NM_001025390.2, NM_001172430.1 and 1 more transcripts).
Identifiers: ClinVar variation 302184 (VCV000302184.6), dbSNP rs9292, ClinGen allele CA10636967.